The following is an entry in ClinVar:

ClinVar aggregate classification (germline): Likely pathogenic (1 of 4 stars; one submission).

Submission:

GeneDx
Classification: Likely pathogenic. Last evaluated: 2023-02-13. Review status: criteria provided, single submitter. Criteria: GeneDx Variant Classification Process June 2021. Collection method: clinical testing. Allele origin: germline. Affected: yes.
Comment: Not observed at significant frequency in large population cohorts (gnomAD); In silico analysis supports that this missense variant has a deleterious effect on protein structure/function; This variant is associated with the following publications: (PMID: 33501616, 8885720, 8938104, 11809909, 9545398, 12405164)

NM_000061.3(BTK):c.1527G>A (p.Met509Ile)

Gene: BTK (Bruton tyrosine kinase; minus strand). Cytogenetic location: Xq22.1.
Variant type: single nucleotide variant.
Coding change: c.1527G>A on transcript NM_000061.3 (MANE Select); coding-DNA position 1527, G replaced by A.
Protein change: p.Met509Ile; replaces methionine 509 with isoleucine.
Molecular consequence: missense variant. On other transcripts: intron variant (1).
Genome position (GRCh38, 1-based): chrX:101,356,091, C>T on the plus strand (G>A on the coding strand, the complement: BTK is on the minus strand). VCF-style: chrX-101356091-C-T. GRCh37 (hg19) VCF-style: chrX-100611079-C-T.
Other names: c.1629G>A, p.Met543Ile (NM_001287344.2); c.1039-1397G>A (NM_001287345.2); short protein forms M509I, M543I.
Identifiers: ClinVar variation 2575753 (VCV002575753.1), dbSNP rs2520551746, ClinGen allele CA413923396.